The following is an entry in ClinVar:

NM_000531.6(OTC):c.323C>G (p.Pro108Arg)

Gene: OTC (ornithine transcarbamylase; plus strand). Cytogenetic location: Xp11.4.
Variant type: single nucleotide variant.
Coding change: c.323C>G on transcript NM_000531.6 (MANE Select); coding-DNA position 323, C replaced by G.
Protein change: p.Pro108Arg; replaces proline 108 with arginine.
Molecular consequence: missense variant.
Genome position (GRCh38, 1-based): chrX:38,381,366, C>G. VCF-style: chrX-38381366-C-G. GRCh37 (hg19) VCF-style: chrX-38240619-C-G.
Other names: c.323C>G, p.Pro108Arg (NM_001407092.1); short protein forms P108R.
Identifiers: ClinVar variation 2855607 (VCV002855607.3), dbSNP rs2519959154, ClinGen allele CA412718290.
Genomic context (GRCh38, chrX:38,381,366, plus strand): 5'-TTTCAAAATGATTTTTTTCTTTTTTTTTTATTGTAGGCTTTGCACTTCTGGGAGGACATC[C>G]TTGTTTTCTTACCACACAAGATATTCATTTGGGTGTGAATGAAAGTCTCACGGACACGGC-3'
Protein context (NP_000522.3, residues 98-118): ETGFALLGGH[Pro108Arg]CFLTTQDIHL

ClinVar aggregate classification (germline): Uncertain significance (1 of 4 stars; one submission).

Conditions:
Ornithine carbamoyltransferase deficiency (OTCD). Also called: OTC DEFICIENCY; Ornithine Carbamoyltransferase Deficiency Disease; ORNITHINE TRANSCARBAMYLASE DEFICIENCY; ORNITHINE TRANSCARBAMYLASE DEFICIENCY, HYPERAMMONEMIA DUE TO. Identifiers: Orphanet 664, MedGen C0268542, MONDO:0010703, OMIM 311250.

Submission:

Labcorp Genetics (formerly Invitae), Labcorp
Classification: Uncertain significance for Ornithine carbamoyltransferase deficiency. Last evaluated: 2023-06-09. Review status: criteria provided, single submitter. Criteria: Invitae Variant Classification Sherloc (09022015). Collection method: clinical testing. Allele origin: germline.
Comment: In summary, the available evidence is currently insufficient to determine the role of this variant in disease. Therefore, it has been classified as a Variant of Uncertain Significance. Advanced modeling of protein sequence and biophysical properties (such as structural, functional, and spatial information, amino acid conservation, physicochemical variation, residue mobility, and thermodynamic stability) performed at Invitae indicates that this missense variant is expected to disrupt OTC protein function. This missense change has been observed in individual(s) with ornithine transcarbamylase deficiency (Invitae). This variant is not present in population databases (gnomAD no frequency). This sequence change replaces proline, which is neutral and non-polar, with arginine, which is basic and polar, at codon 108 of the OTC protein (p.Pro108Arg).